The following is an entry in ClinVar:

NM_012469.4(PRPF6):c.2308C>T (p.Arg770Cys)

Gene: PRPF6 (pre-mRNA processing factor 6; plus strand). Cytogenetic location: 20q13.33.
Variant type: single nucleotide variant.
Coding change: c.2308C>T on transcript NM_012469.4 (MANE Select); coding-DNA position 2308, C replaced by T.
Protein change: p.Arg770Cys; replaces arginine 770 with cysteine.
Molecular consequence: missense variant.
Genome position (GRCh38, 1-based): chr20:64,027,705, C>T. VCF-style: chr20-64027705-C-T. GRCh37 (hg19) VCF-style: chr20-62659058-C-T.
Other names: short protein forms R770C.
Identifiers: ClinVar variation 2017027 (VCV002017027.4), dbSNP rs1297870965, ClinGen allele CA409741345.

ClinVar aggregate classification (germline): Uncertain significance (1 of 4 stars; one submission).

Allele frequency attached by ClinVar (database versions not stated): TOPMed below 0.00001; gnomAD 0.00001.
gnomAD v4.1: 3 of 1,613,914 alleles (0.00019%); highest among the groups gnomAD compares: Non-Finnish European, 0.00017%; no homozygotes.

Submission:

Labcorp Genetics (formerly Invitae), Labcorp
Classification: Uncertain significance. Last evaluated: 2024-09-08. Review status: criteria provided, single submitter. Criteria: Invitae Variant Classification Sherloc (09022015). Collection method: clinical testing. Allele origin: germline.
Comment: This sequence change replaces arginine, which is basic and polar, with cysteine, which is neutral and slightly polar, at codon 770 of the PRPF6 protein (p.Arg770Cys). This variant is present in population databases (no rsID available, gnomAD 0.007%). This variant has not been reported in the literature in individuals affected with PRPF6-related conditions. ClinVar contains an entry for this variant (Variation ID: 2017027). Invitae Evidence Modeling of protein sequence and biophysical properties (such as structural, functional, and spatial information, amino acid conservation, physicochemical variation, residue mobility, and thermodynamic stability) indicates that this missense variant is expected to disrupt PRPF6 protein function with a positive predictive value of 80%. In summary, the available evidence is currently insufficient to determine the role of this variant in disease. Therefore, it has been classified as a Variant of Uncertain Significance.